The following is an entry in ClinVar:

ClinVar aggregate classification (germline): Uncertain significance (1 of 4 stars; one submission).

Conditions:
Muscular dystrophy-dystroglycanopathy (congenital with impaired intellectual development), type B, 1. Also called: Muscular dystrophy-dystroglycanopathy (congenital with intellectual disability), type B1; MUSCULAR DYSTROPHY, CONGENITAL, POMT1-RELATED. Identifiers: MedGen C5436962, MONDO:0013159, OMIM 613155.
Walker-Warburg congenital muscular dystrophy. Also called: Muscular dystrophy-dystroglycanopathy, type A; Walker-Warburg syndrome. Identifiers: Orphanet 899, MedGen C0265221, MONDO:0000171.
Autosomal recessive limb-girdle muscular dystrophy type 2K. Also called: MUSCULAR DYSTROPHY-DYSTROGLYCANOPATHY (LIMB-GIRDLE), TYPE C, 1; MUSCULAR DYSTROPHY, LIMB-GIRDLE, TYPE 2K. Identifiers: Orphanet 86812, MedGen C1836373, MONDO:0012248, OMIM 609308.

gnomAD v4.1: 1 of 1,610,936 alleles (0.000062%); highest among the groups gnomAD compares: Admixed American, 0.0017%; no homozygotes.

Submission:

Labcorp Genetics (formerly Invitae), Labcorp
Classification: Uncertain significance for Muscular dystrophy-dystroglycanopathy (congenital with impaired intellectual development), type B, 1; Walker-Warburg congenital muscular dystrophy; Autosomal recessive limb-girdle muscular dystrophy type 2K. Last evaluated: 2024-02-23. Review status: criteria provided, single submitter. Criteria: Invitae Variant Classification Sherloc (09022015). Collection method: clinical testing. Allele origin: germline.
Comment: This sequence change replaces phenylalanine, which is neutral and non-polar, with isoleucine, which is neutral and non-polar, at codon 174 of the POMT1 protein (p.Phe174Ile). This variant is present in population databases (no rsID available, gnomAD 0.003%). This variant has not been reported in the literature in individuals affected with POMT1-related conditions. ClinVar contains an entry for this variant (Variation ID: 2086071). Advanced modeling of protein sequence and biophysical properties (such as structural, functional, and spatial information, amino acid conservation, physicochemical variation, residue mobility, and thermodynamic stability) performed at Invitae indicates that this missense variant is not expected to disrupt POMT1 protein function with a negative predictive value of 95%. In summary, the available evidence is currently insufficient to determine the role of this variant in disease. Therefore, it has been classified as a Variant of Uncertain Significance.

NM_001077365.2(POMT1):c.520T>A (p.Phe174Ile)

Gene: POMT1 (protein O-mannosyltransferase 1; plus strand). Cytogenetic location: 9q34.13.
Variant type: single nucleotide variant.
Coding change: c.520T>A on transcript NM_001077365.2 (MANE Select); coding-DNA position 520, T replaced by A.
Protein change: p.Phe174Ile; replaces phenylalanine 174 with isoleucine.
Molecular consequence: missense variant. On other transcripts: non-coding transcript variant (8).
Genome position (GRCh38, 1-based): chr9:131,509,003, T>A. VCF-style: chr9-131509003-T-A. GRCh37 (hg19) VCF-style: chr9-134384390-T-A.
Other names: c.358T>A, p.Phe120Ile (NM_001077366.2, NM_001353194.2, NM_001353197.2 and 3 more transcripts); c.520T>A, p.Phe174Ile (NM_001136113.2, NM_001353193.2, NM_001374690.1 and 1 more transcripts); c.169T>A, p.Phe57Ile (NM_001136114.2, NM_001353195.2, NM_001353199.2 and 2 more transcripts); c.430T>A, p.Phe144Ile (NM_001353196.2); c.64T>A, p.Phe22Ile (NM_001353200.2, NM_001374695.1); c.-617T>A (NM_001411024.1); short protein forms F57I, F174I, F22I, F120I, F144I.
Identifiers: ClinVar variation 2086071 (VCV002086071.4), dbSNP rs1333061121, ClinGen allele CA375307064.
Genomic context (GRCh38, chr9:131,509,003, plus strand): 5'-CTTTTGGAATCAGTGTTAATATTTTTCAATCTATTGGCCGTGTTGTCCTACCTGAAGTTC[T>A]TCAACTGCCAAAAGCACAGGTATGGAAAATGGAGTGTCTTCCTAGTTAACGAGAACAGAG-3'
Protein context (NP_001070833.1, residues 164-184): LLAVLSYLKF[Phe174Ile]NCQKHSPFSL